The following is an entry in ClinVar:

NM_000214.3(JAG1):c.2730G>A (p.Glu910=)

Gene: JAG1 (jagged canonical Notch ligand 1; minus strand). Cytogenetic location: 20p12.2.
Variant type: single nucleotide variant.
Coding change: c.2730G>A on transcript NM_000214.3 (MANE Select); coding-DNA position 2730, G replaced by A.
Protein change: p.Glu910=; no amino-acid change (glutamic acid 910 retained).
Molecular consequence: synonymous variant.
Genome position (GRCh38, 1-based): chr20:10,641,646, C>T on the plus strand (G>A on the coding strand, the complement: JAG1 is on the minus strand). VCF-style: chr20-10641646-C-T. GRCh37 (hg19) VCF-style: chr20-10622294-C-T.
Identifiers: ClinVar variation 4836483 (VCV004836483.2).

ClinVar aggregate classification (germline): Likely benign. Review status: criteria provided, multiple submitters, no conflicts (2 of 4 stars). 2 submissions from 2 submitters: Likely benign (2). Last evaluated 2026-08-16.

Conditions:
JAG1-related disorder. Also called: JAG1-related condition; JAG1-related disorders.
Cardiovascular phenotype. Identifiers: MedGen CN230736.

gnomAD v4.1: 9 of 1,613,874 alleles (0.00056%); highest among the groups gnomAD compares: Non-Finnish European, 0.00076%; no homozygotes.

Submissions (2):

PreventionGenetics, part of Exact Sciences
Classification: Likely benign for JAG1-related condition. Last evaluated: 2026-08-16. Review status: criteria provided, single submitter. Criteria: ACMG Guidelines, 2015. Collection method: clinical testing. Allele origin: germline.
Comment: This variant is classified as likely benign based on ACMG/AMP sequence variant interpretation guidelines (Richards et al. 2015 PMID: 25741868, with internal and published modifications).

Ambry Genetics
Classification: Likely benign for Cardiovascular phenotype. Last evaluated: 2026-01-02. Review status: criteria provided, single submitter. Criteria: Ambry Variant Classification Scheme 2023. Collection method: clinical testing. Allele origin: germline.